The following is an entry in ClinVar:

ClinVar aggregate classification (germline): Likely benign (1 of 4 stars; one submission).

gnomAD v4.1: 31 of 1,566,774 alleles (0.002%); highest among the groups gnomAD compares: Non-Finnish European, 0.0022%; no homozygotes.

Submission:

CeGaT Center for Human Genetics Tuebingen
Classification: Likely benign. Last evaluated: 2026-03-01. Review status: criteria provided, single submitter. Criteria: CeGaT Center For Human Genetics Tuebingen Variant Classification Criteria Version 2. Collection method: clinical testing. Allele origin: germline. Affected: yes. Observed: 1 variant allele.
Comment: HECW2: BP4, BP7

NM_001348768.2(HECW2):c.1995C>T (p.Ser665=)

Gene: HECW2 (HECT, C2 and WW domain containing E3 ubiquitin protein ligase 2; minus strand). Cytogenetic location: 2q32.3.
Variant type: single nucleotide variant.
Coding change: c.1995C>T on transcript NM_001348768.2 (MANE Select); coding-DNA position 1995, C replaced by T.
Protein change: p.Ser665=; no amino-acid change (serine 665 retained).
Molecular consequence: synonymous variant.
Genome position (GRCh38, 1-based): chr2:196,318,895, G>A on the plus strand (C>T on the coding strand, the complement: HECW2 is on the minus strand). VCF-style: chr2-196318895-G-A. GRCh37 (hg19) VCF-style: chr2-197183619-G-A.
Other names: c.927C>T, p.Ser309= (NM_001304840.3); c.1995C>T, p.Ser665= (NM_020760.4).
Identifiers: ClinVar variation 4822233 (VCV004822233.4).